The following is an entry in ClinVar:

NM_032322.4(RNF135):c.1234C>T (p.Pro412Ser)

Gene: RNF135 (ring finger protein 135; plus strand). Cytogenetic location: 17q11.2.
Variant type: single nucleotide variant.
Coding change: c.1234C>T on transcript NM_032322.4 (MANE Select); coding-DNA position 1234, C replaced by T.
Protein change: p.Pro412Ser; replaces proline 412 with serine.
Molecular consequence: missense variant. On other transcripts: 3 prime UTR variant (2).
Genome position (GRCh38, 1-based): chr17:30,999,126, C>T. VCF-style: chr17-30999126-C-T. GRCh37 (hg19) VCF-style: chr17-29326144-C-T.
Other names: c.*438C>T (NM_001184992.2, NM_197939.2); short protein forms P412S.
Identifiers: ClinVar variation 1309331 (VCV001309331.2), dbSNP rs1567751613, ClinGen allele CA399204926.

ClinVar aggregate classification (germline): Uncertain significance (1 of 4 stars; one submission).

Allele frequency attached by ClinVar (database versions not stated): gnomAD exomes below 0.00001.
gnomAD v4.1: 5 of 1,614,156 alleles (0.00031%); highest among the groups gnomAD compares: Non-Finnish European, 0.00034%; no homozygotes.

Submission:

GeneDx
Classification: Uncertain significance. Last evaluated: 2019-11-05. Review status: criteria provided, single submitter. Criteria: GeneDx Variant Classification Process June 2021. Collection method: clinical testing. Allele origin: germline. Affected: yes.
Comment: Not observed at a significant frequency in large population cohorts (Lek et al., 2016); In silico analysis, which includes protein predictors and evolutionary conservation, supports a deleterious effect; Has not been previously published as pathogenic or benign to our knowledge